The following is an entry in ClinVar:

ClinVar aggregate classification (germline): Uncertain significance. Review status: criteria provided, multiple submitters, no conflicts (2 of 4 stars). 2 submissions from 2 submitters: Uncertain significance (2). Last evaluated 2025-03-26.

Conditions:
Spermatogenic failure 18. Identifiers: MedGen C4539783, MONDO:0054615, OMIM 617576.
Ciliary dyskinesia, primary, 37 (CILD37). Also called: CILIARY DYSKINESIA, PRIMARY, 37, WITH OR WITHOUT SITUS INVERSUS. Identifiers: MedGen C4539798, MONDO:0033204, OMIM 617577.

Allele frequency attached by ClinVar (database versions not stated): gnomAD 0.00006; ExAC 0.00009; gnomAD exomes 0.00005; TOPMed 0.00007; ESP Exome Variant Server 0.00008.
gnomAD v4.1: 74 of 1,611,176 alleles (0.0046%); highest among the groups gnomAD compares: Non-Finnish European, 0.0058%; no homozygotes.

Submissions (2):

Labcorp Genetics (formerly Invitae), Labcorp
Classification: Uncertain significance for Ciliary dyskinesia, primary, 37; Spermatogenic failure 18. Last evaluated: 2025-03-26. Review status: criteria provided, single submitter. Criteria: Invitae Variant Classification Sherloc (09022015). Collection method: clinical testing. Allele origin: germline.
Comment: This sequence change replaces alanine, which is neutral and non-polar, with threonine, which is neutral and polar, at codon 3915 of the DNAH1 protein (p.Ala3915Thr). This variant is present in population databases (rs372987144, gnomAD 0.01%). This variant has not been reported in the literature in individuals affected with DNAH1-related conditions. ClinVar contains an entry for this variant (Variation ID: 576226). Invitae Evidence Modeling of protein sequence and biophysical properties (such as structural, functional, and spatial information, amino acid conservation, physicochemical variation, residue mobility, and thermodynamic stability) indicates that this missense variant is not expected to disrupt DNAH1 protein function with a negative predictive value of 80%. In summary, the available evidence is currently insufficient to determine the role of this variant in disease. Therefore, it has been classified as a Variant of Uncertain Significance.

Ambry Genetics
Classification: Uncertain significance. Last evaluated: 2023-07-30. Review status: criteria provided, single submitter. Criteria: Ambry Variant Classification Scheme 2023. Collection method: clinical testing. Allele origin: germline.

NM_015512.5(DNAH1):c.11743G>A (p.Ala3915Thr)

Gene: DNAH1 (dynein axonemal heavy chain 1; plus strand). Cytogenetic location: 3p21.1.
Variant type: single nucleotide variant.
Coding change: c.11743G>A on transcript NM_015512.5 (MANE Select); coding-DNA position 11743, G replaced by A.
Protein change: p.Ala3915Thr; replaces alanine 3915 with threonine.
Molecular consequence: missense variant.
Genome position (GRCh38, 1-based): chr3:52,397,000, G>A. VCF-style: chr3-52397000-G-A. GRCh37 (hg19) VCF-style: chr3-52431016-G-A.
Other names: short protein forms A3915T.
Identifiers: ClinVar variation 576226 (VCV000576226.10), dbSNP rs372987144, ClinGen allele CA2436269.